The following is an entry in ClinVar:

ClinVar aggregate classification (germline): Uncertain significance. Review status: criteria provided, single submitter (1 of 4 stars). 2 submissions from 2 submitters: Uncertain significance (1). 1 of the submissions does not count toward it. Last evaluated 2021-09-02.

Conditions:
Primary ciliary dyskinesia. Also called: Ciliary dyskinesia. Identifiers: Orphanet 244, MedGen C0008780, MONDO:0016575, HP:0012265.

Allele frequency attached by ClinVar (database versions not stated): ExAC 0.00002; gnomAD exomes 0.00002; gnomAD 0.00003; TOPMed 0.00005; 1000 Genomes Project 30x 0.00016; 1000 Genomes Project 0.00020.
gnomAD v4.1: 32 of 1,614,194 alleles (0.002%); highest among the groups gnomAD compares: Admixed American, 0.012%; no homozygotes.

Submissions (2):

Labcorp Genetics (formerly Invitae), Labcorp
Classification: Uncertain significance for Primary ciliary dyskinesia. Last evaluated: 2021-09-02. Review status: criteria provided, single submitter. Criteria: Invitae Variant Classification Sherloc (09022015). Collection method: clinical testing. Allele origin: germline.
Comment: This sequence change replaces valine with isoleucine at codon 386 of the DNAI1 protein (p.Val386Ile). The valine residue is weakly conserved and there is a small physicochemical difference between valine and isoleucine. This variant is present in population databases (rs565923150, ExAC 0.009%). This variant has not been reported in the literature in individuals affected with DNAI1-related conditions. Algorithms developed to predict the effect of missense changes on protein structure and function output the following: SIFT: "Tolerated"; PolyPhen-2: "Benign"; Align-GVGD: "Class C0". The isoleucine amino acid residue is found in multiple mammalian species, which suggests that this missense change does not adversely affect protein function. In summary, the available evidence is currently insufficient to determine the role of this variant in disease. Therefore, it has been classified as a Variant of Uncertain Significance.

Natera, Inc.
Classification: Uncertain significance for Primary ciliary dyskinesia. Last evaluated: 2020-02-28. Review status: no assertion criteria provided. Collection method: clinical testing. Allele origin: germline. Not counted in ClinVar's aggregate classification.

NM_012144.4(DNAI1):c.1156G>A (p.Val386Ile)

Gene: DNAI1 (dynein axonemal intermediate chain 1; plus strand). Cytogenetic location: 9p13.3.
Variant type: single nucleotide variant.
Coding change: c.1156G>A on transcript NM_012144.4 (MANE Select); coding-DNA position 1156, G replaced by A.
Protein change: p.Val386Ile; replaces valine 386 with isoleucine.
Molecular consequence: missense variant.
Genome position (GRCh38, 1-based): chr9:34,506,719, G>A. VCF-style: chr9-34506719-G-A. GRCh37 (hg19) VCF-style: chr9-34506717-G-A.
Other names: c.1168G>A, p.Val390Ile (NM_001281428.2); short protein forms V386I, V390I.
Identifiers: ClinVar variation 454825 (VCV000454825.5), dbSNP rs565923150, ClinGen allele CA5034308.